The following is an entry in ClinVar:

NM_000419.5(ITGA2B):c.194_202del (p.Ala65_Val67del)

Gene: ITGA2B (integrin subunit alpha 2b; minus strand). Cytogenetic location: 17q21.31.
Variant type: Deletion.
Coding change: c.194_202del on transcript NM_000419.5 (MANE Select); coding-DNA positions 194 to 202, 9 bases deleted (CCATCGTGG; older notation c.194_202delCCATCGTGG).
Protein change: p.Ala65_Val67del.
Genome position (GRCh38, 1-based): chr17:44,386,118-44,386,126, CCACGATGG deleted on the plus strand (CCATCGTGG on the coding strand, the reverse complement: ITGA2B is on the minus strand); deleting any 9 consecutive bases within chr17:44,386,118-44,386,130 gives the same sequence; the c. name uses the placement nearest the transcript's 3' end. VCF-style (leftmost placement, unchanged base first): chr17-44386117-ACCACGATGG-A. GRCh37 (hg19) VCF-style: chr17-42463485-ACCACGATGG-A.
Identifiers: ClinVar variation 3712103 (VCV003712103.2).

ClinVar aggregate classification (germline): Uncertain significance (1 of 4 stars; one submission).

Conditions:
Glanzmann thrombasthenia. Also called: Glanzmann's thrombasthenia; BLEEDING DISORDER, PLATELET-TYPE, 2; THROMBASTHENIA OF GLANZMANN AND NAEGELI; Thrombasthenia; PLATELET GLYCOPROTEIN IIb-IIIa DEFICIENCY. Identifiers: Orphanet 849, MedGen C0040015, MONDO:0100326.

Submission:

Labcorp Genetics (formerly Invitae), Labcorp
Classification: Uncertain significance for Glanzmann thrombasthenia. Last evaluated: 2024-07-04. Review status: criteria provided, single submitter. Criteria: Invitae Variant Classification Sherloc (09022015). Collection method: clinical testing. Allele origin: germline.
Comment: This variant, c.194_202del, results in the deletion of 3 amino acid(s) of the ITGA2B protein (p.Ala65_Val67del), but otherwise preserves the integrity of the reading frame. This variant is not present in population databases (gnomAD no frequency). This variant has not been reported in the literature in individuals affected with ITGA2B-related conditions. Experimental studies and prediction algorithms are not available or were not evaluated, and the functional significance of this variant is currently unknown. Algorithms developed to predict the effect of sequence changes on RNA splicing suggest that this variant may disrupt the consensus splice site. In summary, the available evidence is currently insufficient to determine the role of this variant in disease. Therefore, it has been classified as a Variant of Uncertain Significance.